The following is an entry in ClinVar:

NM_001852.4(COL9A2):c.487A>T (p.Ile163Phe)

Gene: COL9A2 (collagen type IX alpha 2 chain; minus strand). Cytogenetic location: 1p34.2.
Variant type: single nucleotide variant.
Coding change: c.487A>T on transcript NM_001852.4 (MANE Select); coding-DNA position 487, A replaced by T.
Protein change: p.Ile163Phe; replaces isoleucine 163 with phenylalanine.
Molecular consequence: missense variant.
Genome position (GRCh38, 1-based): chr1:40,311,532, T>A on the plus strand (A>T on the coding strand, the complement: COL9A2 is on the minus strand). VCF-style: chr1-40311532-T-A. GRCh37 (hg19) VCF-style: chr1-40777204-T-A.
Other names: short protein forms I163F.
Identifiers: ClinVar variation 1432160 (VCV001432160.6), dbSNP rs1335741422, ClinGen allele CA339856079.

ClinVar aggregate classification (germline): Uncertain significance (1 of 4 stars; one submission).

Allele frequency attached by ClinVar (database versions not stated): gnomAD exomes below 0.00001.
gnomAD v4.1: 1 of 1,610,774 alleles (0.000062%); no homozygotes.

Submission:

Labcorp Genetics (formerly Invitae), Labcorp
Classification: Uncertain significance. Last evaluated: 2025-02-16. Review status: criteria provided, single submitter. Criteria: Invitae Variant Classification Sherloc (09022015). Collection method: clinical testing. Allele origin: germline.
Comment: This sequence change replaces isoleucine, which is neutral and non-polar, with phenylalanine, which is neutral and non-polar, at codon 163 of the COL9A2 protein (p.Ile163Phe). This variant is present in population databases (no rsID available, gnomAD no frequency). This variant has not been reported in the literature in individuals affected with COL9A2-related conditions. ClinVar contains an entry for this variant (Variation ID: 1432160). Invitae Evidence Modeling of protein sequence and biophysical properties (such as structural, functional, and spatial information, amino acid conservation, physicochemical variation, residue mobility, and thermodynamic stability) indicates that this missense variant is not expected to disrupt COL9A2 protein function with a negative predictive value of 95%. In summary, the available evidence is currently insufficient to determine the role of this variant in disease. Therefore, it has been classified as a Variant of Uncertain Significance.